The following is an entry in ClinVar:

ClinVar aggregate classification (germline): Uncertain significance. Review status: criteria provided, multiple submitters, no conflicts (2 of 4 stars). 2 submissions from 2 submitters: Uncertain significance (2). Last evaluated 2025-04-11.

Conditions:
CDH2-related disorder. Also called: CDH2-related condition.

Submissions (2):

PreventionGenetics, part of Exact Sciences
Classification: Uncertain significance for CDH2-related condition. Last evaluated: 2025-04-11. Review status: criteria provided, single submitter. Criteria: ACMG Guidelines, 2015. Collection method: clinical testing. Allele origin: germline.
Comment: The CDH2 c.1484delC variant is predicted to result in a frameshift and premature protein termination (p.Pro495Leufs*22). To our knowledge, this variant has not been reported in the literature or in a large population database (gnomAD), indicating this variant is rare. To date, the majority of reported variants in CDH2 have been missense; however, a small number of de novo loss-of-function variants have been reported (Accogli et al. 2019. PubMed ID: 31585109). Although we suspect that this variant may be pathogenic, at this time, the clinical significance of this variant is uncertain due to the absence of conclusive functional and genetic evidence.

Labcorp Genetics (formerly Invitae), Labcorp
Classification: Uncertain significance. Last evaluated: 2025-04-03. Review status: criteria provided, single submitter. Criteria: Invitae Variant Classification Sherloc (09022015). Collection method: clinical testing. Allele origin: germline.
Comment: This sequence change creates a premature translational stop signal (p.Pro495Leufs*22) in the CDH2 gene. It is expected to result in an absent or disrupted protein product. However, the current clinical and genetic evidence is not sufficient to establish whether loss-of-function variants in CDH2 cause disease. This variant is not present in population databases (gnomAD no frequency). This variant has not been reported in the literature in individuals affected with CDH2-related conditions. ClinVar contains an entry for this variant (Variation ID: 1956277). Algorithms developed to predict the effect of sequence changes on RNA splicing suggest that this variant may create or strengthen a splice site. In summary, the available evidence is currently insufficient to determine the role of this variant in disease. Therefore, it has been classified as a Variant of Uncertain Significance.

NM_001792.5(CDH2):c.1484del (p.Pro495fs)

Gene: CDH2 (cadherin 2; minus strand). Cytogenetic location: 18q12.1.
Variant type: Deletion.
Coding change: c.1484del on transcript NM_001792.5 (MANE Select); coding-DNA position 1484, one base deleted (C; older notation c.1484delC).
Protein change: p.Pro495fs; shifts the reading frame from proline 495.
Molecular consequence: frameshift variant.
Genome position (GRCh38, 1-based): chr18:27,990,211, G deleted on the plus strand (C on the coding strand, the reverse complement: CDH2 is on the minus strand); the first of 3 consecutive G bases (chr18:27,990,211-27,990,213); deleting any one gives the same sequence. VCF-style (leftmost placement, unchanged base first): chr18-27990210-AG-A. GRCh37 (hg19) VCF-style: chr18-25570174-AG-A.
Other names: c.1391del, p.Pro464fs (NM_001308176.2); c.1484delC (NM_001792.4); short protein forms P495fs, P464fs.
Identifiers: ClinVar variation 1956277 (VCV001956277.6), dbSNP rs2510796976, ClinGen allele CA2576477880.